The following is an entry in ClinVar:

ClinVar aggregate classification (germline): Conflicting classifications of pathogenicity. Review status: criteria provided, conflicting classifications (1 of 4 stars). 5 submissions from 5 submitters: Pathogenic (1); Likely pathogenic (1); Uncertain significance (2). 1 of the submissions does not count toward it. Last evaluated 2026-05-04.

Conditions:
ACAT1-related disorder. Also called: ACAT1-related condition.
Deficiency of acetyl-CoA acetyltransferase. Also called: MITOCHONDRIAL ACETOACETYL-CoA THIOLASE DEFICIENCY; 3-KETOTHIOLASE DEFICIENCY; 3-OXOTHIOLASE DEFICIENCY; Beta-ketothiolase deficiency. Identifiers: Orphanet 134, MedGen C1536500, MONDO:0008760, OMIM 203750. Disease mechanism: loss of function.

Allele frequency attached by ClinVar (database versions not stated): gnomAD exomes 0.00001; ExAC 0.00002; TOPMed 0.00003; gnomAD 0.00004; ESP Exome Variant Server 0.00008.
gnomAD v4.1: 16 of 1,613,972 alleles (0.00099%); highest among the groups gnomAD compares: Non-Finnish European, 0.0014%; no homozygotes.

Submissions (5):

Myriad Genetics, Inc.
Classification: Uncertain significance for Deficiency of acetyl-CoA acetyltransferase. Last evaluated: 2026-05-04. Review status: criteria provided, single submitter. Criteria: Myriad Autosomal Dominant, Autosomal Recessive and X-Linked Classification Criteria (2023). Collection method: clinical testing. Allele origin: unknown.
Comment: NM_000019.3(ACAT1):c.623G>A(R208Q) is a missense variant classified as a variant of uncertain significance in the context of beta-ketothiolase deficiency. R208Q has been observed in cases with relevant disease (PMID: 17236799, 41639795). Relevant functional assessments of this variant are available in the literature (PMID: 17236799). R208Q has been observed in referenced population frequency databases. In summary, there is insufficient evidence to classify NM_000019.3(ACAT1):c.623G>A(R208Q) as pathogenic or benign. Please note: this variant was assessed in the context of healthy population screening.

Labcorp Genetics (formerly Invitae), Labcorp
Classification: Pathogenic for Deficiency of acetyl-CoA acetyltransferase. Last evaluated: 2025-01-28. Review status: criteria provided, single submitter. Criteria: Invitae Variant Classification Sherloc (09022015). Collection method: clinical testing. Allele origin: germline.
Comment: This sequence change replaces arginine, which is basic and polar, with glutamine, which is neutral and polar, at codon 208 of the ACAT1 protein (p.Arg208Gln). This variant is present in population databases (rs370720208, gnomAD 0.003%). This missense change has been observed in individual(s) with beta-ketothiolase deficiency (PMID: 17236799; internal data). In at least one individual the data is consistent with being in trans (on the opposite chromosome) from a pathogenic variant. ClinVar contains an entry for this variant (Variation ID: 198381). Invitae Evidence Modeling of protein sequence and biophysical properties (such as structural, functional, and spatial information, amino acid conservation, physicochemical variation, residue mobility, and thermodynamic stability) indicates that this missense variant is expected to disrupt ACAT1 protein function with a positive predictive value of 95%. Experimental studies have shown that this missense change affects ACAT1 function (PMID: 17236799). This variant disrupts the p.Arg208 amino acid residue in ACAT1. Other variant(s) that disrupt this residue have been observed in individuals with ACAT1-related conditions (internal data), which suggests that this may be a clinically significant amino acid residue. For these reasons, this variant has been classified as Pathogenic.

Department of Pediatrics, Gifu University
Classification: Likely pathogenic for Deficiency of acetyl-CoA acetyltransferase. Last evaluated: 2019-05-05. Review status: criteria provided, single submitter. Criteria: ACMG Guidelines, 2015. Collection method: research. Allele origin: germline. Affected: yes. Observed: 1 variant allele.

Eurofins Ntd Llc (ga)
Classification: Uncertain significance. Last evaluated: 2014-09-22. Review status: criteria provided, single submitter. Criteria: EGL Classification Definitions 2015. Collection method: clinical testing. Allele origin: germline. Observed: 1 variant allele, 1 heterozygote.

PreventionGenetics, part of Exact Sciences
Classification: Likely pathogenic for ACAT1-related condition. Last evaluated: 2024-09-13. Review status: no assertion criteria provided. Collection method: clinical testing. Allele origin: germline. Not counted in ClinVar's aggregate classification.
Comment: The ACAT1 c.623G>A variant is predicted to result in the amino acid substitution p.Arg208Gln. This variant has been reported in the compound heterozygous state in an individual with acetoacetyl-CoA thiolase deficiency (Sakurai et al. 2007. PubMed ID: 17236799). An in vitro functional study shows this variant impacts protein function (Sakurai et al. 2007. PubMed ID: 17236799). This variant is reported in 0.0031% of alleles in individuals of European (Non-Finnish) descent in gnomAD. This variant is interpreted as likely pathogenic.

Literature cited by the submitters: PubMed 17236799 (cited by 4 submitters); PubMed 41639795 (cited by Myriad Genetics, Inc.); PubMed 31268215 (cited by Department of Pediatrics, Gifu University).

NM_000019.4(ACAT1):c.623G>A (p.Arg208Gln)

Gene: ACAT1 (acetyl-CoA acetyltransferase 1; plus strand). Cytogenetic location: 11q22.3.
Variant type: single nucleotide variant.
Coding change: c.623G>A on transcript NM_000019.4 (MANE Select); coding-DNA position 623, G replaced by A.
Protein change: p.Arg208Gln; replaces arginine 208 with glutamine.
Molecular consequence: missense variant.
Genome position (GRCh38, 1-based): chr11:108,140,108, G>A. VCF-style: chr11-108140108-G-A. GRCh37 (hg19) VCF-style: chr11-108010835-G-A.
Other names: c.623G>A, p.Arg208Gln (LRG_1400t1); short protein forms R208Q.
Identifiers: ClinVar variation 198381 (VCV000198381.17), dbSNP rs370720208, ClinGen allele CA275375.